The following is an entry in ClinVar:

NM_000370.3(TTPA):c.401G>A (p.Arg134Gln)

Gene: TTPA (alpha tocopherol transfer protein; minus strand). Cytogenetic location: 8q12.3.
Variant type: single nucleotide variant.
Coding change: c.401G>A on transcript NM_000370.3 (MANE Select); coding-DNA position 401, G replaced by A.
Protein change: p.Arg134Gln; replaces arginine 134 with glutamine.
Molecular consequence: missense variant.
Genome position (GRCh38, 1-based): chr8:63,066,055, C>T on the plus strand (G>A on the coding strand, the complement: TTPA is on the minus strand). VCF-style: chr8-63066055-C-T. GRCh37 (hg19) VCF-style: chr8-63978614-C-T.
Other names: short protein forms R134Q.
Identifiers: ClinVar variation 991274 (VCV000991274.4), dbSNP rs748038814, ClinGen allele CA178384877.

ClinVar aggregate classification (germline): Uncertain significance. Review status: criteria provided, multiple submitters, no conflicts (2 of 4 stars). 3 submissions from 3 submitters: Uncertain significance (2). 1 of the submissions does not count toward it. Last evaluated 2021-02-01.

Conditions:
Familial isolated deficiency of vitamin E (AVED). Also called: Ataxia with isolated vitamin E deficiency; ATAXIA, FRIEDREICH-LIKE, WITH SELECTIVE VITAMIN E DEFICIENCY. Identifiers: Orphanet 96, MedGen C1848533, MONDO:0010188, OMIM 277460.

Allele frequency attached by ClinVar (database versions not stated): gnomAD 0.00001.
gnomAD v4.1: 14 of 1,612,414 alleles (0.00087%); highest among the groups gnomAD compares: Non-Finnish European, 0.0011%; no homozygotes.

Submissions (3):

Athena Diagnostics
Classification: Uncertain significance. Last evaluated: 2021-02-01. Review status: criteria provided, single submitter. Criteria: Athena Diagnostics criteria. Collection method: clinical testing. Allele origin: unknown.

Juno Genomics, Hangzhou Juno Genomics, Inc
Classification: Uncertain significance for Familial isolated deficiency of vitamin E. Review status: criteria provided, single submitter. Criteria: ACMG Guidelines, 2015. Collection method: clinical testing. Allele origin: germline.
Comment: Absent from controls (or at extremely low frequency if recessive) in Genome Aggregation Database.;Multiple lines of computational evidence support a deleterious effect on the gene or gene product.

Natera, Inc.
Classification: Uncertain significance for Ataxia with isolated vitamin E deficiency. Last evaluated: 2020-08-13. Review status: no assertion criteria provided. Collection method: clinical testing. Allele origin: germline. Not counted in ClinVar's aggregate classification.